The following is an entry in ClinVar:

NM_001349.4(DARS1):c.218-20G>T

Gene: DARS1 (aspartyl-tRNA synthetase 1; minus strand). Cytogenetic location: 2q21.3.
Variant type: single nucleotide variant.
Coding change: c.218-20G>T on transcript NM_001349.4 (MANE Select); 20 bases into the intron before coding-DNA position 218, G replaced by T.
Molecular consequence: intron variant.
Genome position (GRCh38, 1-based): chr2:135,961,518, C>A on the plus strand (G>T on the coding strand, the complement: DARS1 is on the minus strand). VCF-style: chr2-135961518-C-A. GRCh37 (hg19) VCF-style: chr2-136719088-C-A.
Other names: c.-83-20G>T (NM_001293312.1).
Identifiers: ClinVar variation 382452 (VCV000382452.1), dbSNP rs1057521361, ClinGen allele CA16603860.

ClinVar aggregate classification (germline): Likely benign (1 of 4 stars; one submission).

Allele frequency attached by ClinVar (database versions not stated): gnomAD 0.00002 and 0.00003; gnomAD exomes 0.00001; TOPMed 0.00002.
gnomAD v4.1: 9 of 1,125,892 alleles (0.0008%); highest among the groups gnomAD compares: Non-Finnish European, 0.0012%; no homozygotes.

Submission:

GeneDx
Classification: Likely benign. Last evaluated: 2017-03-20. Review status: criteria provided, single submitter. Criteria: GeneDx Variant Classification (06012015). Collection method: clinical testing. Allele origin: germline. Affected: yes.
Comment: This variant is considered likely benign or benign based on one or more of the following criteria: it is a conservative change, it occurs at a poorly conserved position in the protein, it is predicted to be benign by multiple in silico algorithms, and/or has population frequency not consistent with disease.